The following is an entry in ClinVar:

ClinVar aggregate classification (germline): Uncertain significance (1 of 4 stars; one submission).

Conditions:
Hereditary cancer-predisposing syndrome. Also called: Neoplastic Syndromes, Hereditary; Tumor predisposition; Hereditary neoplastic syndrome; Hereditary Cancer Syndrome. Identifiers: Orphanet 140162, MedGen C0027672, MeSH D009386, MONDO:0015356.

Submission:

Ambry Genetics
Classification: Uncertain significance for Hereditary cancer-predisposing syndrome. Last evaluated: 2026-07-07. Review status: criteria provided, single submitter. Criteria: Ambry Variant Classification Scheme 2023. Collection method: clinical testing. Allele origin: germline.
Comment: The p.K641N variant (also known as c.1923A>C), located in coding exon 7 of the AXIN2 gene, results from an A to C substitution at nucleotide position 1923. The lysine at codon 641 is replaced by asparagine, an amino acid with similar properties. This amino acid position is conserved. In addition, this alteration is predicted to be tolerated by in silico analysis. Based on the available evidence, the clinical significance of this variant remains unclear.

NM_004655.4(AXIN2):c.1923A>C (p.Lys641Asn)

Gene: AXIN2 (axin 2; minus strand). Cytogenetic location: 17q24.1.
Variant type: single nucleotide variant.
Coding change: c.1923A>C on transcript NM_004655.4 (MANE Select); coding-DNA position 1923, A replaced by C.
Protein change: p.Lys641Asn; replaces lysine 641 with asparagine.
Molecular consequence: missense variant.
Genome position (GRCh38, 1-based): chr17:65,536,538, T>G on the plus strand (A>C on the coding strand, the complement: AXIN2 is on the minus strand). VCF-style: chr17-65536538-T-G. GRCh37 (hg19) VCF-style: chr17-63532656-T-G.
Other names: c.1728A>C, p.Lys576Asn (NM_001363813.1); short protein forms K576N, K641N.
Identifiers: ClinVar variation 5032588 (VCV005032588.1).
Genomic context (GRCh38, chr17:65,536,538, plus strand): 5'-ATGGTGCCGGCTGGCTCGTTCGCCTGGAGACGAGCGGGCAGACTCCAAGGGGTAGGCCTT[T>G]TTTGTGCTTTGGGCACTAAACAAGGAATGAGCAGAGAGAAAACAGAAGGAAAGAAACTGG-3'
Protein context (NP_004646.3, residues 631-651): KPKPHSAQST[Lys641Asn]KAYPLESARS